The following is an entry in ClinVar:

NM_003661.4(APOL1):c.315-45G>A

Gene: APOL1 (apolipoprotein L1; plus strand). Cytogenetic location: 22q12.3.
Variant type: single nucleotide variant.
Coding change: c.315-45G>A on transcript NM_003661.4 (MANE Select); 45 bases into the intron before coding-DNA position 315, G replaced by A.
Molecular consequence: intron variant.
Genome position (GRCh38, 1-based): chr22:36,265,106, G>A. VCF-style: chr22-36265106-G-A. GRCh37 (hg19) VCF-style: chr22-36661152-G-A.
Other names: c.363-45G>A (NM_145343.3); c.315-45G>A (NM_001136540.2); c.261-45G>A (NM_001362927.2, NM_001136541.2).
Identifiers: ClinVar variation 1225494 (VCV001225494.7), dbSNP rs28480494, ClinGen allele CA10208645.
Genomic context (GRCh38, chr22:36,265,106, plus strand): 5'-TGTGATCCACCCGCCTTGGCCTCCCAAAGTGCTGGGATTACAGGTGTGAGCCACCACACC[G>A]AGCCAAAACTGCATTTCTTAATCCTTTAACCTTTCCTTGTGCAGGAATGAGGCAGATGAG-3'

ClinVar aggregate classification (germline): Benign. Review status: criteria provided, multiple submitters, no conflicts (2 of 4 stars). 3 submissions from 3 submitters: Benign (3). Last evaluated 2024-07-15.

Allele frequency attached by ClinVar (database versions not stated): ExAC 0.83259; ESP Exome Variant Server 0.84920; gnomAD 0.85452 and 0.85685; 1000 Genomes Project 0.86102; TOPMed 0.86188; 1000 Genomes Project 30x 0.86508.

Submissions (3):

Unidad de Genómica Garrahan, Hospital de Pediatría Garrahan
Classification: Benign. Last evaluated: 2024-07-15. Review status: criteria provided, single submitter. Criteria: ACMG Guidelines, 2015. Collection method: clinical testing. Allele origin: germline. Affected: no. Observed: 91 variant alleles.
Comment: This variant is classified as Benign based on local population frequency. This variant was detected in 98% of patients studied in a panel designed for Epileptic and Developmental Encephalopathy and Progressive Myoclonus Epilepsy. Number of patients: 91. Only high quality variants are reported.

GeneDx
Classification: Benign. Last evaluated: 2018-11-10. Review status: criteria provided, single submitter. Criteria: GeneDx Variant Classification Process June 2021. Collection method: clinical testing. Allele origin: germline. Affected: yes.

Breakthrough Genomics
Classification: Benign. Review status: criteria provided, single submitter. Criteria: ACMG Guidelines, 2015. Collection method: not provided. Allele origin: germline. Inheritance: Unknown mechanism. Affected: yes.